The following is an entry in ClinVar:

ClinVar aggregate classification (germline): Uncertain significance (1 of 4 stars; one submission).

Submission:

GeneDx
Classification: Uncertain significance. Last evaluated: 2025-01-15. Review status: criteria provided, single submitter. Criteria: GeneDx Variant Classification Process June 2021. Collection method: clinical testing. Allele origin: germline. Affected: yes.
Comment: Has not been previously published as pathogenic or benign to our knowledge; No data available from control populations to assess the frequency of this variant; Located in a regulatory region; in the absence of functional studies, the actual effect of this sequence change is unknown

NC_000023.11:g.20149910_20149911del

Gene: RPS6KA3 (ribosomal protein S6 kinase A3; minus strand). Cytogenetic location: Xp22.12.
Variant type: Deletion.
Genome position: GRCh38 VCF-style: chrX-20149909-CAT-C. GRCh37 (hg19) VCF-style: chrX-20168027-CAT-C.
Identifiers: ClinVar variation 4070644 (VCV004070644.1).